The following is an entry in ClinVar:

ClinVar aggregate classification (germline): Likely pathogenic (1 of 4 stars; one submission).

gnomAD v4.1: 1 of 1,613,774 alleles (0.000062%); highest among the groups gnomAD compares: Non-Finnish European, 0.000085%; no homozygotes.

Submission:

Labcorp Genetics (formerly Invitae), Labcorp
Classification: Likely pathogenic. Last evaluated: 2025-02-26. Review status: criteria provided, single submitter. Criteria: Invitae Variant Classification Sherloc (09022015). Collection method: clinical testing. Allele origin: germline.
Comment: This sequence change affects a donor splice site in intron 7 of the WHRN gene. It is expected to disrupt RNA splicing. Variants that disrupt the donor or acceptor splice site typically lead to a loss of protein function (PMID: 16199547), and loss-of-function variants in WHRN are known to be pathogenic (PMID: 12833159, 15841483, 22147658). This variant is present in population databases (no rsID available, gnomAD 0.007%). This variant has not been reported in the literature in individuals affected with WHRN-related conditions. Algorithms developed to predict the effect of sequence changes on RNA splicing suggest that this variant may disrupt the consensus splice site. In summary, the currently available evidence indicates that the variant is pathogenic, but additional data are needed to prove that conclusively. Therefore, this variant has been classified as Likely Pathogenic.

Literature cited by the submitters: PubMed 16199547; PubMed 12833159; PubMed 15841483; PubMed 22147658.

NM_015404.4(WHRN):c.1626+1G>A

Gene: WHRN (whirlin; minus strand). Cytogenetic location: 9q32.
Variant type: single nucleotide variant.
Coding change: c.1626+1G>A on transcript NM_015404.4 (MANE Select); the canonical splice donor site of the intron after coding-DNA position 1626, G replaced by A.
Molecular consequence: splice donor variant.
Genome position (GRCh38, 1-based): chr9:114,423,313, C>T on the plus strand (G>A on the coding strand, the complement: WHRN is on the minus strand). VCF-style: chr9-114423313-C-T. GRCh37 (hg19) VCF-style: chr9-117185593-C-T.
Other names: c.1626+1G>A (NM_001173425.2); c.477+1G>A (NM_001083885.3); c.573+1G>A (NM_001346890.1).
Identifiers: ClinVar variation 3689417 (VCV003689417.2).
Genomic context (GRCh38, chr9:114,423,313, plus strand): 5'-AAAGCCAGCATCTTAACTCTGCCCTGGCTACTAAGCCAGGGACAAGGCAGAAGAAGCTCA[C>T]CCTGGCCGAGCTGACGGTGGTGGAGGTGCCGTGGCTGCCTGTGGATGAACCCGTGTCACT-3'